The following is an entry in ClinVar:

NM_000540.3(RYR1):c.1186_1187inv (p.Glu396Ser)

Gene: RYR1 (ryanodine receptor 1; plus strand). Cytogenetic location: 19q13.2.
Variant type: Inversion.
Coding change: c.1186_1187inv on transcript NM_000540.3 (MANE Select).
Protein change: p.Glu396Ser; replaces glutamic acid 396 with serine.
Molecular consequence: missense variant.
Genome position: GRCh38 VCF-style: chr19-38451827-GA-TC. GRCh37 (hg19) VCF-style: chr19-38942467-GA-TC.
Other names: c.1186_1187delinsTC (NM_000540.3); c.1186_1187inv, p.Glu396Ser (NM_001042723.2); short protein forms E396S.
Identifiers: ClinVar variation 478166 (VCV000478166.14), ClinGen allele CA205470.

ClinVar aggregate classification (germline): Conflicting classifications of pathogenicity. Review status: criteria provided, conflicting classifications (1 of 4 stars). 4 submissions from 4 submitters: Likely pathogenic (1); Uncertain significance (3). Last evaluated 2025-06-17.

Conditions:
RYR1-related disorder. Also called: RYR1-related condition; RYR1-related disorders. Identifiers: MedGen CN239331.

Submissions (4):

Women's Health and Genetics/Laboratory Corporation of America, LabCorp
Classification: Uncertain significance. Last evaluated: 2025-06-17. Review status: criteria provided, single submitter. Criteria: LabCorp Variant Classification Summary - May 2015. Collection method: clinical testing. Allele origin: germline.
Comment: Variant summary: RYR1 c.1186_1187delinsTC (p.Glu396Ser) results in a non-conservative amino acid change in the encoded protein sequence. Algorithms developed to predict the effect of missense changes on protein structure and function all suggest that this variant is likely to be disruptive. The variant allele was found at a frequency of 1.1e-05 in 282740 control chromosomes. The available data on variant occurrences in the general population are insufficient to allow any conclusion about variant significance. To our knowledge, no occurrence of c.1186_1187delinsTC in individuals affected with Congenital multicore myopathy with external ophthalmoplegia and no experimental evidence demonstrating its impact on protein function has been reported. The following publication have been ascertained in the context of this evaluation (PMID: 29263817). ClinVar contains an entry for this variant (Variation ID: 478166). Based on the evidence outlined above, the variant was classified as uncertain significance.

GeneDx
Classification: Likely pathogenic. Last evaluated: 2024-09-24. Review status: criteria provided, single submitter. Criteria: GeneDx Variant Classification Process June 2021. Collection method: clinical testing. Allele origin: germline. Affected: yes.
Comment: An individual with congenital myopathy was found to harbor variants in the RYR1 gene (E396A, E396X, G334V, P2496R), phase unknown; please note that the E396A and E396X variants in this publication are reported as one event by GeneDx when seen in cis, using nomenclature c.1186_1187delGAinsTC (p.Glu396Ser) (PMID: 29263817); This specific variant (c.1186_1187delGAinsTC (p.Glu396Ser)) has not been previously published as pathogenic or benign to our knowledge; Not observed at significant frequency in large population cohorts (gnomAD); In silico analysis supports a deleterious effect on protein structure/function; This variant is associated with the following publications: (PMID: 29263817, 33767344)

Labcorp Genetics (formerly Invitae), Labcorp
Classification: Uncertain significance for RYR1-related disorder. Last evaluated: 2024-02-24. Review status: criteria provided, single submitter. Criteria: Invitae Variant Classification Sherloc (09022015). Collection method: clinical testing. Allele origin: germline.
Comment: This sequence change replaces glutamic acid, which is acidic and polar, with serine, which is neutral and polar, at codon 396 of the RYR1 protein (p.Glu396Ser). This variant is present in population databases (rs797045929, gnomAD 0.001%). This variant has not been reported in the literature in individuals affected with RYR1-related conditions. ClinVar contains an entry for this variant (Variation ID: 478166). An algorithm developed to predict the effect of missense changes on protein structure and function (PolyPhen-2) suggests that this variant is likely to be disruptive. In summary, the available evidence is currently insufficient to determine the role of this variant in disease. Therefore, it has been classified as a Variant of Uncertain Significance.

Genetic Services Laboratory, University of Chicago
Classification: Uncertain significance. Last evaluated: 2013-10-23. Review status: criteria provided, single submitter. Criteria: ACMG Guidelines, 2007. Collection method: clinical testing. Allele origin: germline.